The following is an entry in ClinVar:

ClinVar aggregate classification (germline): Uncertain significance. Review status: criteria provided, multiple submitters, no conflicts (2 of 4 stars). 2 submissions from 2 submitters: Uncertain significance (2). Last evaluated 2022-04-01.

Submissions (2):

Blueprint Genetics
Classification: Uncertain significance. Last evaluated: 2022-04-01. Review status: criteria provided, single submitter. Criteria: ACMG Guidelines, 2015. Collection method: clinical testing. Allele origin: germline.

Labcorp Genetics (formerly Invitae), Labcorp
Classification: Uncertain significance. Last evaluated: 2019-07-06. Review status: criteria provided, single submitter. Criteria: Invitae Variant Classification Sherloc (09022015). Collection method: clinical testing. Allele origin: germline.
Comment: This sequence change replaces valine with phenylalanine at codon 549 of the RP1 protein (p.Val549Phe). The valine residue is moderately conserved and there is a small physicochemical difference between valine and phenylalanine. This variant is not present in population databases (ExAC no frequency). This variant has not been reported in the literature in individuals with RP1-related conditions. Algorithms developed to predict the effect of missense changes on protein structure and function are either unavailable or do not agree on the potential impact of this missense change (SIFT: "Deleterious"; PolyPhen-2: "Possibly Damaging"; Align-GVGD: "Class C0"). In summary, the available evidence is currently insufficient to determine the role of this variant in disease. Therefore, it has been classified as a Variant of Uncertain Significance.

NM_006269.2(RP1):c.1645G>T (p.Val549Phe)

Gene: RP1 (RP1 axonemal microtubule associated; plus strand). Cytogenetic location: 8q12.1.
Variant type: single nucleotide variant.
Coding change: c.1645G>T on transcript NM_006269.2 (MANE Select); coding-DNA position 1645, G replaced by T.
Protein change: p.Val549Phe; replaces valine 549 with phenylalanine.
Molecular consequence: missense variant. On other transcripts: intron variant (1).
Genome position (GRCh38, 1-based): chr8:54,625,527, G>T. VCF-style: chr8-54625527-G-T. GRCh37 (hg19) VCF-style: chr8-55538087-G-T.
Other names: c.787+3239G>T (NM_001375654.1); short protein forms V549F.
Identifiers: ClinVar variation 949988 (VCV000949988.10), dbSNP rs1806014057, ClinGen allele CA370991097.